The following is an entry in ClinVar:

NM_022897.5(RANBP17):c.1057G>C (p.Glu353Gln)

Gene: RANBP17 (RAN binding protein 17; plus strand). Cytogenetic location: 5q35.1.
Variant type: single nucleotide variant.
Coding change: c.1057G>C on transcript NM_022897.5 (MANE Select); coding-DNA position 1057, G replaced by C.
Protein change: p.Glu353Gln; replaces glutamic acid 353 with glutamine.
Molecular consequence: missense variant.
Genome position (GRCh38, 1-based): chr5:170,918,815, G>C. VCF-style: chr5-170918815-G-C. GRCh37 (hg19) VCF-style: chr5-170345819-G-C.
Other names: short protein forms E353Q.
Identifiers: ClinVar variation 3042882 (VCV003042882.2), dbSNP rs145822469, ClinGen allele CA3557347.

ClinVar aggregate classification (germline): Likely benign (0 of 4 stars; one submission).

Conditions:
RANBP17-related disorder. Also called: RANBP17-related condition.

Allele frequency attached by ClinVar (database versions not stated): 1000 Genomes Project 30x 0.00047; 1000 Genomes Project 0.00060; TOPMed 0.00079; gnomAD 0.00080; gnomAD exomes 0.00085; ExAC 0.00098; ESP Exome Variant Server 0.00108.
gnomAD v4.1: 1,332 of 1,594,844 alleles (0.084%); highest among the groups gnomAD compares: Middle Eastern, 0.17%; no homozygotes.

Submission:

PreventionGenetics, part of Exact Sciences
Classification: Likely benign for RANBP17-related condition. Last evaluated: 2022-07-18. Review status: no assertion criteria provided. Collection method: clinical testing. Allele origin: germline.
Comment: This variant is classified as likely benign based on ACMG/AMP sequence variant interpretation guidelines (Richards et al. 2015 PMID: 25741868, with internal and published modifications).